The following is an entry in ClinVar:

ClinVar aggregate classification (germline): Uncertain significance (1 of 4 stars; one submission).

Submission:

Labcorp Genetics (formerly Invitae), Labcorp
Classification: Uncertain significance. Last evaluated: 2022-05-13. Review status: criteria provided, single submitter. Criteria: Invitae Variant Classification Sherloc (09022015). Collection method: clinical testing. Allele origin: germline.
Comment: In summary, the available evidence is currently insufficient to determine the role of this variant in disease. Therefore, it has been classified as a Variant of Uncertain Significance. This sequence change replaces methionine, which is neutral and non-polar, with threonine, which is neutral and polar, at codon 1573 of the LAMB1 protein (p.Met1573Thr). This variant is not present in population databases (gnomAD no frequency). This variant has not been reported in the literature in individuals affected with LAMB1-related conditions. Algorithms developed to predict the effect of missense changes on protein structure and function output the following: SIFT: "Tolerated"; PolyPhen-2: "Benign"; Align-GVGD: "Class C0". The threonine amino acid residue is found in multiple mammalian species, which suggests that this missense change does not adversely affect protein function.

NM_002291.3(LAMB1):c.4718T>C (p.Met1573Thr)

Gene: LAMB1 (laminin subunit beta 1; minus strand). Cytogenetic location: 7q31.1.
Variant type: single nucleotide variant.
Coding change: c.4718T>C on transcript NM_002291.3 (MANE Select); coding-DNA position 4718, T replaced by C.
Protein change: p.Met1573Thr; replaces methionine 1573 with threonine.
Molecular consequence: missense variant.
Genome position (GRCh38, 1-based): chr7:107,929,439, A>G on the plus strand (T>C on the coding strand, the complement: LAMB1 is on the minus strand). VCF-style: chr7-107929439-A-G. GRCh37 (hg19) VCF-style: chr7-107569884-A-G.
Other names: short protein forms M1573T.
Identifiers: ClinVar variation 1994170 (VCV001994170.4), dbSNP rs2535625116, ClinGen allele CA368862576.